The following is an entry in ClinVar:

ClinVar aggregate classification (germline): Conflicting classifications of pathogenicity. Review status: criteria provided, conflicting classifications (1 of 4 stars). 3 submissions from 3 submitters: Uncertain significance (1); Likely benign (2). Last evaluated 2025-06-24.

Conditions:
Leber congenital amaurosis 6 (LCA6). Identifiers: Orphanet 65, MedGen C1854260, MONDO:0013446, OMIM 613826.
Cone-rod dystrophy 13 (CORD13). Identifiers: Orphanet 1872, MedGen C2750720, MONDO:0011987, OMIM 608194.
RPGRIP1-related disorder. Also called: RPGRIP1-related condition.

Allele frequency attached by ClinVar (database versions not stated): gnomAD exomes 0.00005 and 0.00014; ExAC 0.00017; gnomAD 0.00047 and 0.00048; ESP Exome Variant Server 0.00049; TOPMed 0.00055; 1000 Genomes Project 0.00100; 1000 Genomes Project 30x 0.00141.
gnomAD v4.1: 151 of 1,613,926 alleles (0.0094%); highest among the groups gnomAD compares: African/African-American, 0.17%; no homozygotes.

Submissions (3):

PreventionGenetics, part of Exact Sciences
Classification: Likely benign for RPGRIP1-related condition. Last evaluated: 2025-06-24. Review status: criteria provided, single submitter. Criteria: ACMG Guidelines, 2015. Collection method: clinical testing. Allele origin: germline.
Comment: This variant is classified as likely benign based on ACMG/AMP sequence variant interpretation guidelines (Richards et al. 2015 PMID: 25741868, with internal and published modifications).

Blueprint Genetics
Classification: Likely benign. Last evaluated: 2024-09-12. Review status: criteria provided, single submitter. Criteria: ACMG Guidelines, 2015. Collection method: clinical testing. Allele origin: germline.

Labcorp Genetics (formerly Invitae), Labcorp
Classification: Uncertain significance for Leber congenital amaurosis 6; Cone-rod dystrophy 13. Last evaluated: 2024-01-19. Review status: criteria provided, single submitter. Criteria: Invitae Variant Classification Sherloc (09022015). Collection method: clinical testing. Allele origin: germline.
Comment: This sequence change replaces proline, which is neutral and non-polar, with leucine, which is neutral and non-polar, at codon 599 of the RPGRIP1 protein (p.Pro599Leu). This variant is present in population databases (rs368192802, gnomAD 0.2%). This variant has not been reported in the literature in individuals affected with RPGRIP1-related conditions. ClinVar contains an entry for this variant (Variation ID: 955506). Advanced modeling of protein sequence and biophysical properties (such as structural, functional, and spatial information, amino acid conservation, physicochemical variation, residue mobility, and thermodynamic stability) performed at Invitae indicates that this missense variant is not expected to disrupt RPGRIP1 protein function with a negative predictive value of 80%. In summary, the available evidence is currently insufficient to determine the role of this variant in disease. Therefore, it has been classified as a Variant of Uncertain Significance.

NM_020366.4(RPGRIP1):c.1796C>T (p.Pro599Leu)

Gene: RPGRIP1 (RPGR interacting protein 1; plus strand). Cytogenetic location: 14q11.2.
Variant type: single nucleotide variant.
Coding change: c.1796C>T on transcript NM_020366.4 (MANE Select); coding-DNA position 1796, C replaced by T.
Protein change: p.Pro599Leu; replaces proline 599 with leucine.
Molecular consequence: missense variant. On other transcripts: intron variant (3).
Genome position (GRCh38, 1-based): chr14:21,324,651, C>T. VCF-style: chr14-21324651-C-T. GRCh37 (hg19) VCF-style: chr14-21792810-C-T.
Other names: c.722C>T, p.Pro241Leu (NM_001377948.1, NM_001377949.1); c.688+2647C>T (NM_001377523.1, NM_001377950.1); c.190+2647C>T (NM_001377951.1); short protein forms P599L, P241L.
Identifiers: ClinVar variation 955506 (VCV000955506.8), dbSNP rs368192802, ClinGen allele CA7089097.